The following is an entry in ClinVar:

ClinVar aggregate classification (germline): Uncertain significance (1 of 4 stars; one submission).

Conditions:
Hereditary spastic paraplegia 39 (SPG39). Also called: Spastic Paraplegia Type 39 (SPG39); SPASTIC PARAPLEGIA 39, AUTOSOMAL RECESSIVE. Identifiers: Orphanet 139480, MedGen C2677586, MONDO:0012787, OMIM 612020.

Submission:

Labcorp Genetics (formerly Invitae), Labcorp
Classification: Uncertain significance for Hereditary spastic paraplegia 39. Last evaluated: 2024-12-16. Review status: criteria provided, single submitter. Criteria: Invitae Variant Classification Sherloc (09022015). Collection method: clinical testing. Allele origin: germline.
Comment: This sequence change replaces proline, which is neutral and non-polar, with leucine, which is neutral and non-polar, at codon 867 of the PNPLA6 protein (p.Pro867Leu). This variant is not present in population databases (gnomAD no frequency). This variant has not been reported in the literature in individuals affected with PNPLA6-related conditions. ClinVar contains an entry for this variant (Variation ID: 1478734). Invitae Evidence Modeling of protein sequence and biophysical properties (such as structural, functional, and spatial information, amino acid conservation, physicochemical variation, residue mobility, and thermodynamic stability) indicates that this missense variant is expected to disrupt PNPLA6 protein function with a positive predictive value of 80%. In summary, the available evidence is currently insufficient to determine the role of this variant in disease. Therefore, it has been classified as a Variant of Uncertain Significance.

NM_001166114.2(PNPLA6):c.2714C>T (p.Pro905Leu)

Gene: PNPLA6 (patatin like domain 6, lysophospholipase; plus strand). Cytogenetic location: 19p13.2.
Variant type: single nucleotide variant.
Coding change: c.2714C>T on transcript NM_001166114.2 (MANE Select); coding-DNA position 2714, C replaced by T.
Protein change: p.Pro905Leu; replaces proline 905 with leucine.
Molecular consequence: missense variant.
Genome position (GRCh38, 1-based): chr19:7,554,972, C>T. VCF-style: chr19-7554972-C-T. GRCh37 (hg19) VCF-style: chr19-7619858-C-T.
Other names: c.2744C>T, p.Pro915Leu (NM_001166111.2); c.2519C>T, p.Pro840Leu (NM_001166112.2); c.2600C>T, p.Pro867Leu (NM_001166113.1, NM_006702.5); short protein forms P915L, P867L, P905L, P840L.
Identifiers: ClinVar variation 1478734 (VCV001478734.6), dbSNP rs1301640279, ClinGen allele CA403129685.